The following is an entry in ClinVar:

NM_001035.3(RYR2):c.10168C>G (p.Pro3390Ala)

Gene: RYR2 (ryanodine receptor 2; plus strand). Cytogenetic location: 1q43.
Variant type: single nucleotide variant.
Coding change: c.10168C>G on transcript NM_001035.3 (MANE Select); coding-DNA position 10168, C replaced by G.
Protein change: p.Pro3390Ala; replaces proline 3390 with alanine.
Molecular consequence: missense variant.
Genome position (GRCh38, 1-based): chr1:237,709,505, C>G. VCF-style: chr1-237709505-C-G. GRCh37 (hg19) VCF-style: chr1-237872805-C-G.
Other names: short protein forms P3390A.
Identifiers: ClinVar variation 4757740 (VCV004757740.1).

ClinVar aggregate classification (germline): Uncertain significance (1 of 4 stars; one submission).

Conditions:
Cardiomyopathy (CMYO). Also called: Cardiomyopathies. Identifiers: Orphanet 167848, MedGen C0878544, MONDO:0004994, HP:0001638. Inheritance: Various modes of inheritance.

Submission:

Color Diagnostics, LLC DBA Color Health
Classification: Uncertain significance for Cardiomyopathy. Last evaluated: 2025-07-17. Review status: criteria provided, single submitter. Criteria: ACMG Guidelines, 2015. Collection method: clinical testing. Allele origin: germline.
Comment: This missense variant replaces proline with alanine at codon 3390 of the RYR2 protein. Computational prediction suggests that this variant may not impact protein structure and function. To our knowledge, functional studies have not been reported for this variant. This variant has not been reported in individuals affected with RYR2-related disorders in the literature. This variant has not been identified in the general population by the Genome Aggregation Database (gnomAD). The available evidence is insufficient to determine the role of this variant in disease conclusively. Therefore, this variant is classified as a Variant of Uncertain Significance.